The following is an entry in ClinVar:

NM_000395.3(CSF2RB):c.2479G>A (p.Gly827Ser)

Gene: CSF2RB (colony stimulating factor 2 receptor subunit beta; plus strand). Cytogenetic location: 22q12.3.
Variant type: single nucleotide variant.
Coding change: c.2479G>A on transcript NM_000395.3 (MANE Select); coding-DNA position 2479, G replaced by A.
Protein change: p.Gly827Ser; replaces glycine 827 with serine.
Molecular consequence: missense variant.
Genome position (GRCh38, 1-based): chr22:36,938,287, G>A. VCF-style: chr22-36938287-G-A. GRCh37 (hg19) VCF-style: chr22-37334329-G-A.
Other names: c.2497G>A, p.Gly833Ser (NM_001410827.1); short protein forms G827S, G833S.
Identifiers: ClinVar variation 2420187 (VCV002420187.6), dbSNP rs757761865, ClinGen allele CA10214133.

ClinVar aggregate classification (germline): Uncertain significance (1 of 4 stars; one submission).

Allele frequency attached by ClinVar (database versions not stated): ExAC 0.00002; TOPMed 0.00002; gnomAD 0.00003.

Submission:

Labcorp Genetics (formerly Invitae), Labcorp
Classification: Uncertain significance. Last evaluated: 2025-03-05. Review status: criteria provided, single submitter. Criteria: Invitae Variant Classification Sherloc (09022015). Collection method: clinical testing. Allele origin: germline.
Comment: This sequence change replaces glycine, which is neutral and non-polar, with serine, which is neutral and polar, at codon 827 of the CSF2RB protein (p.Gly827Ser). This variant is present in population databases (rs757761865, gnomAD 0.005%). This variant has not been reported in the literature in individuals affected with CSF2RB-related conditions. ClinVar contains an entry for this variant (Variation ID: 2420187). Invitae Evidence Modeling of protein sequence and biophysical properties (such as structural, functional, and spatial information, amino acid conservation, physicochemical variation, residue mobility, and thermodynamic stability) indicates that this missense variant is not expected to disrupt CSF2RB protein function with a negative predictive value of 80%. Algorithms developed to predict the effect of sequence changes on RNA splicing suggest that this variant may create or strengthen a splice site. In summary, the available evidence is currently insufficient to determine the role of this variant in disease. Therefore, it has been classified as a Variant of Uncertain Significance.